The following is an entry in ClinVar:

ClinVar aggregate classification (germline): Likely benign. Review status: criteria provided, multiple submitters, no conflicts (2 of 4 stars). 2 submissions from 2 submitters: Likely benign (2). Last evaluated 2023-04-20.

Allele frequency attached by ClinVar (database versions not stated): gnomAD exomes below 0.00001.
gnomAD v4.1: 1 of 1,614,106 alleles (0.000062%); highest among the groups gnomAD compares: Non-Finnish European, 0.000085%; no homozygotes.

Submissions (2):

Blueprint Genetics
Classification: Likely benign. Last evaluated: 2023-04-20. Review status: criteria provided, single submitter. Criteria: ACMG Guidelines, 2015. Collection method: clinical testing. Allele origin: germline.

CeGaT Center for Human Genetics Tuebingen
Classification: Likely benign. Last evaluated: 2022-12-01. Review status: criteria provided, single submitter. Criteria: CeGaT Center For Human Genetics Tuebingen Variant Classification Criteria Version 2. Collection method: clinical testing. Allele origin: germline. Affected: yes. Observed: 1 variant allele.
Comment: PLOD1: PM2:Supporting, BP4, BP7

NM_000302.4(PLOD1):c.366C>T (p.Ser122=)

Gene: PLOD1 (procollagen-lysine,2-oxoglutarate 5-dioxygenase 1; plus strand). Cytogenetic location: 1p36.22.
Variant type: single nucleotide variant.
Coding change: c.366C>T on transcript NM_000302.4 (MANE Select); coding-DNA position 366, C replaced by T.
Protein change: p.Ser122=; no amino-acid change (serine 122 retained).
Molecular consequence: synonymous variant.
Genome position (GRCh38, 1-based): chr1:11,950,420, C>T. VCF-style: chr1-11950420-C-T. GRCh37 (hg19) VCF-style: chr1-12010477-C-T.
Other names: c.507C>T, p.Ser169= (NM_001316320.2).
Identifiers: ClinVar variation 1879074 (VCV001879074.30), dbSNP rs2522807392, ClinGen allele CA416103700.